The following is an entry in ClinVar:

NM_001394062.1(MACF1):c.20257C>T (p.Arg6753Trp)

Gene: MACF1 (microtubule actin crosslinking factor 1; plus strand). Cytogenetic location: 1p34.3.
Variant type: single nucleotide variant.
Coding change: c.20257C>T on transcript NM_001394062.1 (MANE Select); coding-DNA position 20257, C replaced by T.
Protein change: p.Arg6753Trp; replaces arginine 6753 with tryptophan.
Molecular consequence: missense variant.
Genome position (GRCh38, 1-based): chr1:39,448,762, C>T. VCF-style: chr1-39448762-C-T. GRCh37 (hg19) VCF-style: chr1-39914434-C-T.
Other names: c.8335C>T, p.Arg2779Trp (NM_001397473.1); c.14080C>T, p.Arg4694Trp (NM_012090.5); c.14080C>T (NM_012090.4); short protein forms R2779W, R4694W, R6753W.
Identifiers: ClinVar variation 2629387 (VCV002629387.5), dbSNP rs769202456, ClinGen allele CA784334.

ClinVar aggregate classification (germline): Conflicting classifications of pathogenicity. Review status: criteria provided, conflicting classifications (1 of 4 stars). 3 submissions from 3 submitters: Uncertain significance (1); Likely benign (2). Last evaluated 2025-09-15.

Conditions:
MACF1-related disorder. Also called: MACF1-related condition.
Inborn genetic diseases. Identifiers: MedGen C0950123, MeSH D030342.

Allele frequency attached by ClinVar (database versions not stated): TOPMed 0.00001; ExAC 0.00003; gnomAD exomes 0.00004.
gnomAD v4.1: 58 of 1,608,048 alleles (0.0036%); highest among the groups gnomAD compares: East Asian, 0.0067%; no homozygotes.

Submissions (3):

Labcorp Genetics (formerly Invitae), Labcorp
Classification: Likely benign. Last evaluated: 2025-09-15. Review status: criteria provided, single submitter. Criteria: Invitae Variant Classification Sherloc (09022015). Collection method: clinical testing. Allele origin: germline.

Ambry Genetics
Classification: Likely benign for Inborn genetic diseases. Last evaluated: 2025-03-19. Review status: criteria provided, single submitter. Criteria: Ambry Variant Classification Scheme 2023. Collection method: clinical testing. Allele origin: germline.

PreventionGenetics, part of Exact Sciences
Classification: Uncertain significance for MACF1-related condition. Last evaluated: 2023-03-28. Review status: criteria provided, single submitter. Criteria: ACMG Guidelines, 2015. Collection method: clinical testing. Allele origin: germline.
Comment: The MACF1 c.14080C>T variant is predicted to result in the amino acid substitution p.Arg4694Trp. To our knowledge, this variant has not been reported in the literature. This variant is reported in 0.0059% of alleles in individuals of Latino descent in gnomAD. At this time, the clinical significance of this variant is uncertain due to the absence of conclusive functional and genetic evidence.